The following is an entry in ClinVar:

ClinVar aggregate classification (germline): Likely benign (1 of 4 stars; one submission).

Conditions:
Familial intrahepatic cholestasis. Identifiers: Orphanet 284385, MedGen CN296401, MONDO:0017290.

gnomAD v4.1: 1 of 1,614,026 alleles (0.000062%); highest among the groups gnomAD compares: African/African-American, 0.0013%; no homozygotes.

Submission:

Genomenon, Inc
Classification: Likely benign for Familial intrahepatic cholestasis. Last evaluated: 2026-04-14. Review status: criteria provided, single submitter. Criteria: Genomenon Sequence Variant Interpretation Standards - Updated. Collection method: curation. Allele origin: germline. Affected: no.
Comment: ATP8B1 c.2880C>T is a synonymous variant that retains Alanine at residue 960. This variant has been reported in the published literature (PMID:24260417). It is absent or not present at a significant frequency in gnomAD. This synonymous variant is not predicted to impact splicing. In conclusion, we classify ATP8B1 p.Ala960= (c.2880C>T) as a likely benign variant.

Literature cited by the submitters: PubMed 24260417.

NM_001374385.1(ATP8B1):c.2880C>T (p.Ala960=)

Genes: ATP8B1 (ATPase phospholipid transporting 8B1; minus strand), ATP8B1-AS1 (ATP8B1 antisense RNA 1; plus strand). Cytogenetic location: 18q21.31.
Variant type: single nucleotide variant.
Coding change: c.2880C>T on transcript NM_001374385.1 (MANE Select); coding-DNA position 2880, C replaced by T.
Protein change: p.Ala960=; no amino-acid change (alanine 960 retained).
Molecular consequence: synonymous variant.
Genome position (GRCh38, 1-based): chr18:57,655,245, G>A on the plus strand (C>T on the coding strand, the complement: ATP8B1 is on the minus strand). VCF-style: chr18-57655245-G-A. GRCh37 (hg19) VCF-style: chr18-55322477-G-A.
Other names: c.2730C>T, p.Ala910= (NM_001374386.1); c.2880C>T, p.Ala960= (NM_005603.6).
Identifiers: ClinVar variation 4846606 (VCV004846606.1).